The following is an entry in ClinVar:

ClinVar aggregate classification (germline): Uncertain significance. Review status: criteria provided, multiple submitters, no conflicts (2 of 4 stars). 3 submissions from 3 submitters: Uncertain significance (3). Last evaluated 2023-12-05.

Conditions:
Hereditary cancer-predisposing syndrome. Also called: Tumor predisposition; Neoplastic Syndromes, Hereditary; Hereditary Cancer Syndrome; Hereditary neoplastic syndrome. Identifiers: Orphanet 140162, MedGen C0027672, MeSH D009386, MONDO:0015356.
Fanconi anemia complementation group J. Also called: BRIP1-Related Fanconi Anemia. Identifiers: Orphanet 84, MedGen C1836860, MONDO:0012187, OMIM 609054.
Familial cancer of breast. Also called: BREAST CANCER, FAMILIAL; hereditary breast carcinoma; Hereditary breast cancer. Identifiers: Orphanet 227535, MedGen C0346153, MONDO:0016419, OMIM 114480. Disease mechanism: loss of function.

Allele frequency attached by ClinVar (database versions not stated): gnomAD exomes below 0.00001.
gnomAD v4.1: 1 of 1,613,818 alleles (0.000062%); highest among the groups gnomAD compares: Non-Finnish European, 0.000085%; no homozygotes.

Submissions (3):

Color Diagnostics, LLC DBA Color Health
Classification: Uncertain significance for Hereditary cancer-predisposing syndrome. Last evaluated: 2023-12-05. Review status: criteria provided, single submitter. Criteria: ACMG Guidelines, 2015. Collection method: clinical testing. Allele origin: germline.
Comment: This missense variant replaces serine with alanine at codon 710 of the BRIP1 protein. Computational prediction suggests that this variant may not impact protein structure and function (internally defined REVEL score threshold <= 0.5, PMID: 27666373). To our knowledge, functional studies have not been reported for this variant. This variant has not been reported in individuals affected with BRIP1-related disorders in the literature. This variant has not been identified in the general population by the Genome Aggregation Database (gnomAD). The available evidence is insufficient to determine the role of this variant in disease conclusively. Therefore, this variant is classified as a Variant of Uncertain Significance.

Labcorp Genetics (formerly Invitae), Labcorp
Classification: Uncertain significance for Familial cancer of breast; Fanconi anemia complementation group J. Last evaluated: 2023-07-22. Review status: criteria provided, single submitter. Criteria: Invitae Variant Classification Sherloc (09022015). Collection method: clinical testing. Allele origin: germline.
Comment: In summary, the available evidence is currently insufficient to determine the role of this variant in disease. Therefore, it has been classified as a Variant of Uncertain Significance. Advanced modeling of protein sequence and biophysical properties (such as structural, functional, and spatial information, amino acid conservation, physicochemical variation, residue mobility, and thermodynamic stability) performed at Invitae indicates that this missense variant is not expected to disrupt BRIP1 protein function. ClinVar contains an entry for this variant (Variation ID: 489823). This variant has not been reported in the literature in individuals affected with BRIP1-related conditions. This variant is not present in population databases (gnomAD no frequency). This sequence change replaces serine, which is neutral and polar, with alanine, which is neutral and non-polar, at codon 710 of the BRIP1 protein (p.Ser710Ala).

Ambry Genetics
Classification: Uncertain significance for Hereditary cancer-predisposing syndrome. Last evaluated: 2018-05-03. Review status: criteria provided, single submitter. Criteria: Ambry Variant Classification Scheme 2023. Collection method: clinical testing. Allele origin: germline.
Comment: The p.S710A variant (also known as c.2128T>G), located in coding exon 14 of the BRIP1 gene, results from a T to G substitution at nucleotide position 2128. The serine at codon 710 is replaced by alanine, an amino acid with similar properties. This amino acid position is poorly conserved in available vertebrate species. In addition, this alteration is predicted to be tolerated by in silico analysis. Since supporting evidence is limited at this time, the clinical significance of this alteration remains unclear.

NM_032043.3(BRIP1):c.2128T>G (p.Ser710Ala)

Gene: BRIP1 (BRCA1 interacting DNA helicase 1; minus strand). Cytogenetic location: 17q23.2.
Variant type: single nucleotide variant.
Coding change: c.2128T>G on transcript NM_032043.3 (MANE Select); coding-DNA position 2128, T replaced by G.
Protein change: p.Ser710Ala; replaces serine 710 with alanine.
Molecular consequence: missense variant.
Genome position (GRCh38, 1-based): chr17:61,744,561, A>C on the plus strand (T>G on the coding strand, the complement: BRIP1 is on the minus strand). VCF-style: chr17-61744561-A-C. GRCh37 (hg19) VCF-style: chr17-59821922-A-C.
Other names: short protein forms S710A.
Identifiers: ClinVar variation 489823 (VCV000489823.13), dbSNP rs1555591505, ClinGen allele CA400483264.